The following is an entry in ClinVar:

ClinVar aggregate classification (germline): Uncertain significance (1 of 4 stars; one submission).

Conditions:
Gorlin syndrome. Also called: Basal cell nevus syndrome; Nevoid Basal Cell Carcinoma Syndrome. Identifiers: Orphanet 377, MedGen C0004779, MONDO:0007187.

Submission:

Labcorp Genetics (formerly Invitae), Labcorp
Classification: Uncertain significance for Gorlin syndrome. Last evaluated: 2022-11-04. Review status: criteria provided, single submitter. Criteria: Invitae Variant Classification Sherloc (09022015). Collection method: clinical testing. Allele origin: germline.
Comment: This variant has not been reported in the literature in individuals affected with PTCH1-related conditions. Advanced modeling of protein sequence and biophysical properties (such as structural, functional, and spatial information, amino acid conservation, physicochemical variation, residue mobility, and thermodynamic stability) performed at Invitae indicates that this missense variant is not expected to disrupt PTCH1 protein function. In summary, the available evidence is currently insufficient to determine the role of this variant in disease. Therefore, it has been classified as a Variant of Uncertain Significance. This variant is not present in population databases (gnomAD no frequency). This sequence change replaces arginine, which is basic and polar, with proline, which is neutral and non-polar, at codon 35 of the PTCH1 protein (p.Arg35Pro).

NM_000264.5(PTCH1):c.104G>C (p.Arg35Pro)

Genes: PTCH1 (patched 1; minus strand), LOC130002133 (ATAC-STARR-seq lymphoblastoid silent region 20071; plus strand). Cytogenetic location: 9q22.32.
Variant type: single nucleotide variant.
Coding change: c.104G>C on transcript NM_000264.5 (MANE Select); coding-DNA position 104, G replaced by C.
Protein change: p.Arg35Pro; replaces arginine 35 with proline.
Molecular consequence: missense variant. On other transcripts: non-coding transcript variant (1), intron variant (3).
Genome position (GRCh38, 1-based): chr9:95,508,258, C>G on the plus strand (G>C on the coding strand, the complement: PTCH1 is on the minus strand). VCF-style: chr9-95508258-C-G. GRCh37 (hg19) VCF-style: chr9-98270540-C-G.
Other names: c.104G>C, p.Arg35Pro (NM_001354918.2); c.199-1659G>C (NM_001083603.3); c.4-1659G>C (NM_001083602.3, NM_001354919.2); short protein forms R35P.
Identifiers: ClinVar variation 2803175 (VCV002803175.3), dbSNP rs587778627, ClinGen allele CA374121420.
Genomic context (GRCh38, chr9:95,508,258, plus strand): 5'-TAGCTGGGCCGGTGCAGATAGTCCCGGTCCGGCGCGGCAGCACGGCGCAGCCCCCCCGTC[C>G]GTCTGCGCCTCCCGCCTCCAGCCGGCCGTCCCGGGGCACCGATACAGCCGCTGCCGCCGC-3'
Protein context (NP_000255.2, residues 25-45): GRPAGGGRRR[Arg35Pro]TGGLRRAAAP